The following is an entry in ClinVar:

NM_007294.4(BRCA1):c.2174G>A (p.Ser725Asn)

Gene: BRCA1 (BRCA1 DNA repair associated; minus strand). Cytogenetic location: 17q21.31.
Variant type: single nucleotide variant.
Coding change: c.2174G>A on transcript NM_007294.4 (MANE Select); coding-DNA position 2174, G replaced by A.
Protein change: p.Ser725Asn; replaces serine 725 with asparagine.
Molecular consequence: missense variant. On other transcripts: intron variant (137).
Genome position (GRCh38, 1-based): chr17:43,093,357, C>T on the plus strand (G>A on the coding strand, the complement: BRCA1 is on the minus strand). VCF-style: chr17-43093357-C-T. GRCh37 (hg19) VCF-style: chr17-41245374-C-T.
Other names: c.2174G>A, p.Ser725Asn (NM_001407639.1, NM_001407640.1, NM_001407641.1 and 30 more transcripts); c.787+1387G>A (NM_007299.4, NM_001407974.1, NM_001407973.1 and 17 more transcripts); c.788-1218G>A (NM_001407969.1, NM_001407968.1); c.577+1387G>A (NM_001408492.1, NM_001408513.1, NM_001408481.1 and 9 more transcripts); c.643+1387G>A (NM_001408468.1, NM_001408470.1, NM_001408464.1 and 3 more transcripts); c.2171G>A, p.Ser724Asn (NM_001407644.1, NM_001407645.1, NM_001407587.1 and 22 more transcripts); c.523+1387G>A (NM_001408501.1, NM_001408500.1, NM_001408497.1 and 3 more transcripts); c.646+1387G>A (NM_001408455.1, NM_001408466.1, NM_001408452.1 and 11 more transcripts); and 41 more; short protein forms S613N, S636N, S654N, S678N, S699N, S725N, S429N, S597N.
Identifiers: ClinVar variation 3634673 (VCV003634673.2).

ClinVar aggregate classification (germline): Uncertain significance (1 of 4 stars; one submission).

Conditions:
Hereditary breast ovarian cancer syndrome. Also called: Hereditary breast and ovarian cancer syndrome; Hereditary breast and ovarian cancer syndrome (HBOC); BRCA1- and BRCA2-Associated Hereditary Breast and Ovarian Cancer; Hereditary breast and ovarian cancer; Breast and ovarian cancer; Hereditary breast and/or ovarian cancer syndrome. Identifiers: Orphanet 145, MedGen C0677776, MeSH D061325, MONDO:0003582. Disease mechanism: loss of function.

gnomAD v4.1: 1 of 1,613,854 alleles (0.000062%); no homozygotes.

Submission:

Labcorp Genetics (formerly Invitae), Labcorp
Classification: Uncertain significance for Hereditary breast ovarian cancer syndrome. Last evaluated: 2024-06-29. Review status: criteria provided, single submitter. Criteria: Invitae Variant Classification Sherloc (09022015). Collection method: clinical testing. Allele origin: germline.
Comment: This sequence change replaces serine, which is neutral and polar, with asparagine, which is neutral and polar, at codon 725 of the BRCA1 protein (p.Ser725Asn). This variant is not present in population databases (gnomAD no frequency). This variant has not been reported in the literature in individuals affected with BRCA1-related conditions. Advanced modeling of protein sequence and biophysical properties (such as structural, functional, and spatial information, amino acid conservation, physicochemical variation, residue mobility, and thermodynamic stability) performed at Invitae indicates that this missense variant is not expected to disrupt BRCA1 protein function with a negative predictive value of 95%. In summary, the available evidence is currently insufficient to determine the role of this variant in disease. Therefore, it has been classified as a Variant of Uncertain Significance.